The following is an entry in ClinVar:

ClinVar aggregate classification (germline): Likely benign (1 of 4 stars; one submission).

Submission:

GeneDx
Classification: Likely benign. Last evaluated: 2024-07-30. Review status: criteria provided, single submitter. Criteria: GeneDx Variant Classification Process June 2021. Collection method: clinical testing. Allele origin: germline. Affected: yes.
Comment: See Variant Classification Assertion Criteria.

NM_001303052.2(MYT1L):c.2360G>A (p.Cys787Tyr)

Gene: MYT1L (myelin transcription factor 1 like; minus strand). Cytogenetic location: 2p25.3.
Variant type: single nucleotide variant.
Coding change: c.2360G>A on transcript NM_001303052.2 (MANE Select); coding-DNA position 2360, G replaced by A.
Protein change: p.Cys787Tyr; replaces cysteine 787 with tyrosine.
Molecular consequence: missense variant.
Genome position (GRCh38, 1-based): chr2:1,889,401, C>T on the plus strand (G>A on the coding strand, the complement: MYT1L is on the minus strand). VCF-style: chr2-1889401-C-T. GRCh37 (hg19) VCF-style: chr2-1893173-C-T.
Other names: c.2360G>A, p.Cys787Tyr (NM_001329844.2, NM_001329845.1, NM_001329851.3); c.2354G>A, p.Cys785Tyr (NM_001329846.3, NM_001329847.2, NM_001329848.1 and 3 more transcripts); short protein forms C785Y, C787Y.
Identifiers: ClinVar variation 3602279 (VCV003602279.1).